The following is an entry in ClinVar:

ClinVar aggregate classification (germline): Likely pathogenic (1 of 4 stars; one submission).

Allele frequency attached by ClinVar (database versions not stated): gnomAD exomes below 0.00001.
gnomAD v4.1: 1 of 1,613,042 alleles (0.000062%); highest among the groups gnomAD compares: Non-Finnish European, 0.000085%; no homozygotes.

Submission:

Labcorp Genetics (formerly Invitae), Labcorp
Classification: Likely pathogenic. Last evaluated: 2023-09-18. Review status: criteria provided, single submitter. Criteria: Invitae Variant Classification Sherloc (09022015). Collection method: clinical testing. Allele origin: germline.
Comment: This sequence change affects an acceptor splice site in intron 2 of the OTOF gene. It is expected to disrupt RNA splicing. Variants that disrupt the donor or acceptor splice site typically lead to a loss of protein function (PMID: 16199547), and loss-of-function variants in OTOF are known to be pathogenic (PMID: 18381613, 19250381, 22575033). This variant is not present in population databases (gnomAD no frequency). This variant has not been reported in the literature in individuals affected with OTOF-related conditions. Algorithms developed to predict the effect of sequence changes on RNA splicing suggest that this variant may disrupt the consensus splice site. In summary, the currently available evidence indicates that the variant is pathogenic, but additional data are needed to prove that conclusively. Therefore, this variant has been classified as Likely Pathogenic.

Literature cited by the submitters: PubMed 16199547; PubMed 18381613; PubMed 19250381; PubMed 22575033.

NM_194248.3(OTOF):c.139-2A>G

Gene: OTOF (otoferlin; minus strand). Cytogenetic location: 2p23.3.
Variant type: single nucleotide variant.
Coding change: c.139-2A>G on transcript NM_194248.3 (MANE Select); the canonical splice acceptor site of the intron before coding-DNA position 139, A replaced by G.
Molecular consequence: splice acceptor variant.
Genome position (GRCh38, 1-based): chr2:26,527,922, T>C on the plus strand (A>G on the coding strand, the complement: OTOF is on the minus strand). VCF-style: chr2-26527922-T-C. GRCh37 (hg19) VCF-style: chr2-26750790-T-C.
Other names: c.139-2A>G (NM_001287489.2).
Identifiers: ClinVar variation 2796984 (VCV002796984.3), dbSNP rs2465386425, ClinGen allele CA346140029.